The following is an entry in ClinVar:

ClinVar aggregate classification (germline): Pathogenic (1 of 4 stars; one submission).

Conditions:
3-methylcrotonyl-CoA carboxylase 1 deficiency (MCC1D). Also called: MCCD TYPE 1; METHYLCROTONYLGLYCINURIA TYPE I; MCC 1 deficiency; 3 Alpha methylcrotonylglycinuria 1. Identifiers: Orphanet 6, MedGen CN028786, MONDO:0008861, OMIM 210200.

Submission:

Labcorp Genetics (formerly Invitae), Labcorp
Classification: Pathogenic for 3-methylcrotonyl-CoA carboxylase 1 deficiency. Last evaluated: 2021-05-20. Review status: criteria provided, single submitter. Criteria: Invitae Variant Classification Sherloc (09022015). Collection method: clinical testing. Allele origin: germline.
Comment: For these reasons, this variant has been classified as Pathogenic. This variant has not been reported in the literature in individuals with MCCC1-related conditions. This variant is a gross deletion of the genomic region encompassing exon(s) 1-5 of the MCCC1 gene, which includes the initiator codon. The 5' end of this event is unknown as it extends beyond the assayed region for this gene and therefore may encompass additional genes. The 3' boundary is likely confined to intron 5 of the MCCC1 gene. It is expected to result in an absent or disrupted protein product. Loss-of-function variants in MCCC1 are known to be pathogenic (PMID: 11181649, 15359379, 22642865).

Literature cited by the submitters: PubMed 11181649; PubMed 15359379; PubMed 22642865.

NC_000003.11:g.(?_182790144)_(182817385_?)del

Gene: MCCC1 (methylcrotonyl-CoA carboxylase subunit 1; minus strand). Cytogenetic location: 3q27.1.
Variant type: Deletion.
Identifiers: ClinVar variation 1352407 (VCV001352407.4).